The following is an entry in ClinVar:

ClinVar aggregate classification (germline): Likely benign (1 of 4 stars; one submission).

Allele frequency attached by ClinVar (database versions not stated): ExAC 0.00001; gnomAD 0.00001; gnomAD exomes 0.00001; TOPMed 0.00002.
gnomAD v4.1: 15 of 1,208,904 alleles (0.0012%); highest among the groups gnomAD compares: Non-Finnish European, 0.0017%; no homozygotes.

Submission:

CeGaT Center for Human Genetics Tuebingen
Classification: Likely benign. Last evaluated: 2024-03-01. Review status: criteria provided, single submitter. Criteria: CeGaT Center For Human Genetics Tuebingen Variant Classification Criteria Version 2. Collection method: clinical testing. Allele origin: germline. Affected: yes. Observed: 1 variant allele.
Comment: CLIC2: BP4

NM_001289.6(CLIC2):c.351T>C (p.Phe117=)

Gene: CLIC2 (CLIC family member 2; minus strand). Cytogenetic location: Xq28.
Variant type: single nucleotide variant.
Coding change: c.351T>C on transcript NM_001289.6 (MANE Select); coding-DNA position 351, T replaced by C.
Protein change: p.Phe117=; no amino-acid change (phenylalanine 117 retained).
Molecular consequence: synonymous variant.
Genome position (GRCh38, 1-based): chrX:155,280,011, A>G on the plus strand (T>C on the coding strand, the complement: CLIC2 is on the minus strand). VCF-style: chrX-155280011-A-G. GRCh37 (hg19) VCF-style: chrX-154509300-A-G.
Identifiers: ClinVar variation 3067786 (VCV003067786.21), dbSNP rs781981574, ClinGen allele CA10569319.